The following is an entry in ClinVar:

ClinVar aggregate classification (germline): Conflicting classifications of pathogenicity. Review status: criteria provided, conflicting classifications (1 of 4 stars). 3 submissions from 3 submitters: Uncertain significance (1); Benign (1); Likely benign (1). Last evaluated 2025-12-09.

Conditions:
Dilated cardiomyopathy 1DD (CMD1DD). Identifiers: Orphanet 154, MedGen C2750995, MONDO:0013168, OMIM 613172.

Allele frequency attached by ClinVar (database versions not stated): gnomAD exomes 0.00001 and 0.00003; gnomAD 0.00004 and 0.00005; TOPMed 0.00004; ExAC 0.00005; 1000 Genomes Project 30x 0.00016; 1000 Genomes Project 0.00020.
gnomAD v4.1: 49 of 1,544,222 alleles (0.0032%); highest among the groups gnomAD compares: African/African-American, 0.0055%; no homozygotes.

Submissions (3):

Labcorp Genetics (formerly Invitae), Labcorp
Classification: Likely benign for Dilated cardiomyopathy 1DD. Last evaluated: 2025-12-09. Review status: criteria provided, single submitter. Criteria: Invitae Variant Classification Sherloc (09022015). Collection method: clinical testing. Allele origin: germline.

GeneDx
Classification: Benign. Last evaluated: 2016-07-20. Review status: criteria provided, single submitter. Criteria: GeneDx Variant Classification (06012015). Collection method: clinical testing. Allele origin: germline. Affected: yes.
Comment: This variant is considered likely benign or benign based on one or more of the following criteria: it is a conservative change, it occurs at a poorly conserved position in the protein, it is predicted to be benign by multiple in silico algorithms, and/or has population frequency not consistent with disease.

Laboratory for Molecular Medicine, Mass General Brigham Personalized Medicine
Classification: Uncertain significance. Last evaluated: 2014-11-10. Review status: criteria provided, single submitter. Criteria: LMM Criteria. Collection method: clinical testing. Allele origin: germline. Observed: 1 variant allele.
Comment: The c.1338-11G>A in RBM20 has not been previously reported in individuals with c ardiomyopathy and has not been identified in large population databases, though it is listed in dbSNP (rs372064165) without frequency information. This variant is located in the 3' splice region. Computational tools do not suggest an impact to splicing. However, this information is not predictive enough to rule out pat hogenicity. In summary, the clinical significance of the c.1338-11G>A variant is uncertain.

NM_001134363.3(RBM20):c.1338-11G>A

Gene: RBM20 (RNA binding motif protein 20; plus strand). Cytogenetic location: 10q25.2.
Variant type: single nucleotide variant.
Coding change: c.1338-11G>A on transcript NM_001134363.3 (MANE Select); 11 bases into the intron before coding-DNA position 1338, G replaced by A.
Molecular consequence: intron variant.
Genome position (GRCh38, 1-based): chr10:110,784,330, G>A. VCF-style: chr10-110784330-G-A. GRCh37 (hg19) VCF-style: chr10-112544088-G-A.
Identifiers: ClinVar variation 180076 (VCV000180076.14), dbSNP rs372064165, ClinGen allele CA185760.